The following is an entry in ClinVar:

ClinVar aggregate classification (germline): Uncertain significance (1 of 4 stars; one submission).

Allele frequency attached by ClinVar (database versions not stated): ExAC 0.00002; gnomAD exomes 0.00002 and 0.00003; TOPMed 0.00003; gnomAD 0.00004 and 0.00005; ESP Exome Variant Server 0.00008.
gnomAD v4.1: 32 of 1,613,652 alleles (0.002%); highest among the groups gnomAD compares: African/African-American, 0.015%; no homozygotes.

Submission:

Labcorp Genetics (formerly Invitae), Labcorp
Classification: Uncertain significance. Last evaluated: 2023-08-04. Review status: criteria provided, single submitter. Criteria: Invitae Variant Classification Sherloc (09022015). Collection method: clinical testing. Allele origin: germline.
Comment: In summary, the available evidence is currently insufficient to determine the role of this variant in disease. Therefore, it has been classified as a Variant of Uncertain Significance. Advanced modeling of protein sequence and biophysical properties (such as structural, functional, and spatial information, amino acid conservation, physicochemical variation, residue mobility, and thermodynamic stability) performed at Invitae indicates that this missense variant is not expected to disrupt OCA2 protein function. ClinVar contains an entry for this variant (Variation ID: 1358863). This variant has not been reported in the literature in individuals affected with OCA2-related conditions. This variant is present in population databases (rs373739951, gnomAD 0.02%). This sequence change replaces alanine, which is neutral and non-polar, with threonine, which is neutral and polar, at codon 624 of the OCA2 protein (p.Ala624Thr).

NM_000275.3(OCA2):c.1870G>A (p.Ala624Thr)

Gene: OCA2 (OCA2 melanosomal transmembrane protein; minus strand). Cytogenetic location: 15q13.1.
Variant type: single nucleotide variant.
Coding change: c.1870G>A on transcript NM_000275.3 (MANE Select); coding-DNA position 1870, G replaced by A.
Protein change: p.Ala624Thr; replaces alanine 624 with threonine.
Molecular consequence: missense variant.
Genome position (GRCh38, 1-based): chr15:27,951,865, C>T on the plus strand (G>A on the coding strand, the complement: OCA2 is on the minus strand). VCF-style: chr15-27951865-C-T. GRCh37 (hg19) VCF-style: chr15-28197011-C-T.
Other names: c.1798G>A, p.Ala600Thr (NM_001300984.2); short protein forms A600T, A624T.
Identifiers: ClinVar variation 1358863 (VCV001358863.5), dbSNP rs373739951, ClinGen allele CA7438864.
Genomic context (GRCh38, chr15:27,951,865, plus strand): 5'-GGACAAACGAATTGAGGAAAAACATGAAGATAACAAATCCCAACACTGTCAGGCATTTGG[C>T]GAGCAGAATCCCGTCAGATATCCTATGCTGTAAGAGAGAAACCACAGCTCATTTACTCTG-3'
Protein context (NP_000266.2, residues 614-634): KHRISDGILL[Ala624Thr]KCLTVLGFVI